The following is an entry in ClinVar:

ClinVar aggregate classification (germline): Uncertain significance (1 of 4 stars; one submission).

Conditions:
Saldino-Mainzer syndrome (SRTD9). Also called: CONORENAL SYNDROME; SHORT-RIB THORACIC DYSPLASIA 9 WITHOUT POLYDACTYLY; short-rib thoracic dysplasia 9 with or without polydactyly; Renal dysplasia, retinal pigmentary dystrophy, cerebellar ataxia and skeletal dysplasia. Identifiers: Orphanet 140969, MedGen C1849437, MONDO:0009964, OMIM 266920.

Allele frequency attached by ClinVar (database versions not stated): TOPMed below 0.00001; ExAC 0.00001; gnomAD exomes below 0.00001.
gnomAD v4.1: 1 of 1,604,906 alleles (0.000062%); highest among the groups gnomAD compares: Admixed American, 0.0017%; no homozygotes.

Submission:

Labcorp Genetics (formerly Invitae), Labcorp
Classification: Uncertain significance for Saldino-Mainzer syndrome. Last evaluated: 2020-01-28. Review status: criteria provided, single submitter. Criteria: Invitae Variant Classification Sherloc (09022015). Collection method: clinical testing. Allele origin: germline.
Comment: Algorithms developed to predict the effect of missense changes on protein structure and function output the following: SIFT: "Tolerated"; PolyPhen-2: "Benign"; Align-GVGD: "Class C0". The alanine amino acid residue is found in multiple mammalian species, suggesting that this missense change does not adversely affect protein function. These predictions have not been confirmed by published functional studies and their clinical significance is uncertain. In summary, the available evidence is currently insufficient to determine the role of this variant in disease. Therefore, it has been classified as a Variant of Uncertain Significance. This variant has not been reported in the literature in individuals with IFT140-related conditions. This variant is present in population databases (rs780823837, ExAC 0.009%). This sequence change replaces threonine with alanine at codon 956 of the IFT140 protein (p.Thr956Ala). The threonine residue is moderately conserved and there is a small physicochemical difference between threonine and alanine.

NM_014714.4(IFT140):c.2866A>G (p.Thr956Ala)

Genes: IFT140 (intraflagellar transport 140; minus strand), LOC126862260 (CDK7 strongly-dependent group 2 enhancer GRCh37_chr16:1574508-1575707; plus strand). Cytogenetic location: 16p13.3.
Variant type: single nucleotide variant.
Coding change: c.2866A>G on transcript NM_014714.4 (MANE Select); coding-DNA position 2866, A replaced by G.
Protein change: p.Thr956Ala; replaces threonine 956 with alanine.
Molecular consequence: missense variant.
Genome position (GRCh38, 1-based): chr16:1,524,915, T>C on the plus strand (A>G on the coding strand, the complement: IFT140 is on the minus strand). VCF-style: chr16-1524915-T-C. GRCh37 (hg19) VCF-style: chr16-1574916-T-C.
Other names: short protein forms T956A.
Identifiers: ClinVar variation 940893 (VCV000940893.10), dbSNP rs780823837, ClinGen allele CA7813435.
Genomic context (GRCh38, chr16:1,524,915, plus strand): 5'-GCAGCGCGGCGTCCATCTCGCCCTGGCTCTCCAGGTACTGCGCCCACCACCGCCACAGGG[T>C]CCTGCGGGCAGCCCAAGACCATGGATTCTCCACCCGAGCCCCGCTCCAACCCGGGACGGC-3'
Protein context (NP_055529.2, residues 946-966): ELYVNKMKDK[Thr956Ala]LWRWWAQYLE